The following is an entry in ClinVar:

NM_012128.4(CLCA4):c.1251C>T (p.Asn417=)

Gene: CLCA4 (chloride channel accessory 4; plus strand). Cytogenetic location: 1p22.3.
Variant type: single nucleotide variant.
Coding change: c.1251C>T on transcript NM_012128.4 (MANE Select); coding-DNA position 1251, C replaced by T.
Protein change: p.Asn417=; no amino-acid change (asparagine 417 retained).
Molecular consequence: synonymous variant. On other transcripts: non-coding transcript variant (1).
Genome position (GRCh38, 1-based): chr1:86,571,145, C>T. VCF-style: chr1-86571145-C-T. GRCh37 (hg19) VCF-style: chr1-87036828-C-T.
Identifiers: ClinVar variation 2638912 (VCV002638912.24), dbSNP rs180818393, ClinGen allele CA935504.

ClinVar aggregate classification (germline): Likely benign (1 of 4 stars; one submission).

Allele frequency attached by ClinVar (database versions not stated): 1000 Genomes Project 0.00060; 1000 Genomes Project 30x 0.00078; gnomAD 0.00101; TOPMed 0.00108; ESP Exome Variant Server 0.00114; ExAC 0.00133; gnomAD exomes 0.00176.
gnomAD v4.1: 2,678 of 1,612,828 alleles (0.17%); highest among the groups gnomAD compares: Non-Finnish European, 0.21%; 22 homozygotes.

Submission:

CeGaT Center for Human Genetics Tuebingen
Classification: Likely benign. Last evaluated: 2023-06-01. Review status: criteria provided, single submitter. Criteria: CeGaT Center For Human Genetics Tuebingen Variant Classification Criteria Version 2. Collection method: clinical testing. Allele origin: germline. Affected: yes. Observed: 1 variant allele.
Comment: CLCA4: BP4, BP7, BS2